The following is an entry in ClinVar:

NM_022454.4(SOX17):c.417G>A (p.Pro139=)

Gene: SOX17 (SRY-box transcription factor 17; plus strand). Cytogenetic location: 8q11.23.
Variant type: single nucleotide variant.
Coding change: c.417G>A on transcript NM_022454.4 (MANE Select); coding-DNA position 417, G replaced by A.
Protein change: p.Pro139=; no amino-acid change (proline 139 retained).
Molecular consequence: synonymous variant.
Genome position (GRCh38, 1-based): chr8:54,459,167, G>A. VCF-style: chr8-54459167-G-A. GRCh37 (hg19) VCF-style: chr8-55371727-G-A.
Other names: c.417G>A (NM_022454.3).
Identifiers: ClinVar variation 2150308 (VCV002150308.6), dbSNP rs559300834, ClinGen allele CA4750886.
Genomic context (GRCh38, chr8:54,459,167, plus strand): 5'-GGAGGCAGAGCGGCTGCGCGTGCAGCACATGCAGGACCACCCCAACTACAAGTACCGGCC[G>A]CGGCGGCGCAAGCAGGTGAAGCGGCTGAAGCGGGTGGAGGGCGGCTTCCTGCACGGCCTG-3'
Protein context (NP_071899.1, residues 129-149): MQDHPNYKYR[Pro139=]RRRKQVKRLK

ClinVar aggregate classification (germline): Benign. Review status: criteria provided, single submitter (1 of 4 stars). 2 submissions from 2 submitters: Benign (1). 1 of the submissions does not count toward it. Last evaluated 2023-12-28.

Conditions:
SOX17-related disorder. Also called: SOX17-related condition.

Allele frequency attached by ClinVar (database versions not stated): gnomAD exomes 0.00004; gnomAD 0.00005; TOPMed 0.00007; ExAC 0.00015; 1000 Genomes Project 30x 0.00031; 1000 Genomes Project 0.00040.
gnomAD v4.1: 61 of 1,605,572 alleles (0.0038%); highest among the groups gnomAD compares: East Asian, 0.12%; no homozygotes.

Submissions (2):

Labcorp Genetics (formerly Invitae), Labcorp
Classification: Benign. Last evaluated: 2023-12-28. Review status: criteria provided, single submitter. Criteria: Invitae Variant Classification Sherloc (09022015). Collection method: clinical testing. Allele origin: germline.

PreventionGenetics, part of Exact Sciences
Classification: Likely benign for SOX17-related condition. Last evaluated: 2020-03-18. Review status: no assertion criteria provided. Collection method: clinical testing. Allele origin: germline. Not counted in ClinVar's aggregate classification.
Comment: This variant is classified as likely benign based on ACMG/AMP sequence variant interpretation guidelines (Richards et al. 2015 PMID: 25741868, with internal and published modifications).